The following is an entry in ClinVar:

NM_000787.4(DBH):c.62T>G (p.Met21Arg)

Gene: DBH (dopamine beta-hydroxylase; plus strand). Cytogenetic location: 9q34.2.
Variant type: single nucleotide variant.
Coding change: c.62T>G on transcript NM_000787.4 (MANE Select); coding-DNA position 62, T replaced by G.
Protein change: p.Met21Arg; replaces methionine 21 with arginine.
Molecular consequence: missense variant.
Genome position (GRCh38, 1-based): chr9:133,636,433, T>G. VCF-style: chr9-133636433-T-G. GRCh37 (hg19) VCF-style: chr9-136501555-T-G.
Other names: short protein forms M21R.
Identifiers: ClinVar variation 3003641 (VCV003003641.3), dbSNP rs770621845, ClinGen allele CA375406573.

ClinVar aggregate classification (germline): Uncertain significance (1 of 4 stars; one submission).

Conditions:
Orthostatic hypotension 1 (ORTHYP1). Also called: NORADRENALINE DEFICIENCY; NOREPINEPHRINE DEFICIENCY; Orthostatic hypotension 1, due to DBH deficiency; Dopamine beta-hydroxylase deficiency. Identifiers: Orphanet 230, MedGen C4746777, MONDO:0009123, OMIM 223360.

Submission:

Labcorp Genetics (formerly Invitae), Labcorp
Classification: Uncertain significance for Orthostatic hypotension 1. Last evaluated: 2022-11-26. Review status: criteria provided, single submitter. Criteria: Invitae Variant Classification Sherloc (09022015). Collection method: clinical testing. Allele origin: germline.
Comment: This variant is not present in population databases (gnomAD no frequency). This sequence change replaces methionine, which is neutral and non-polar, with arginine, which is basic and polar, at codon 21 of the DBH protein (p.Met21Arg). This variant has not been reported in the literature in individuals affected with DBH-related conditions. In summary, the available evidence is currently insufficient to determine the role of this variant in disease. Therefore, it has been classified as a Variant of Uncertain Significance. Algorithms developed to predict the effect of missense changes on protein structure and function are either unavailable or do not agree on the potential impact of this missense change (SIFT: "Deleterious"; PolyPhen-2: "Possibly Damaging"; Align-GVGD: "Class C0").